The following is an entry in ClinVar:

ClinVar aggregate classification (germline): Conflicting classifications of pathogenicity. Review status: criteria provided, conflicting classifications (1 of 4 stars). 4 submissions from 4 submitters: Uncertain significance (2); Likely benign (2). Last evaluated 2025-07-17.

Conditions:
Renal cell carcinoma. Identifiers: Orphanet 217071, MedGen C0007134, MeSH D002292, MONDO:0005086, HP:0005584.
Osteofibrous dysplasia (OSFD). Also called: Tibia, bowing of, with pseudarthrosis and pectus excavatum. Identifiers: Orphanet 488265, MedGen C4085248, MONDO:0011806, OMIM 607278.
Hereditary cancer-predisposing syndrome. Also called: Neoplastic Syndromes, Hereditary; Hereditary Cancer Syndrome; Tumor predisposition; Hereditary neoplastic syndrome. Identifiers: Orphanet 140162, MedGen C0027672, MeSH D009386, MONDO:0015356.

Allele frequency attached by ClinVar (database versions not stated): gnomAD exomes below 0.00001; ExAC 0.00001; TOPMed 0.00002; gnomAD 0.00004.
gnomAD v4.1: 7 of 1,613,934 alleles (0.00043%); highest among the groups gnomAD compares: African/African-American, 0.0093%; no homozygotes.

Submissions (4):

Labcorp Genetics (formerly Invitae), Labcorp
Classification: Likely benign for Renal cell carcinoma. Last evaluated: 2025-07-17. Review status: criteria provided, single submitter. Criteria: Invitae Variant Classification Sherloc (09022015). Collection method: clinical testing. Allele origin: germline.

GeneDx
Classification: Uncertain significance. Last evaluated: 2024-12-31. Review status: criteria provided, single submitter. Criteria: GeneDx Variant Classification Process June 2021. Collection method: clinical testing. Allele origin: germline. Affected: yes.
Comment: Not observed at significant frequency in large population cohorts (gnomAD); In silico analysis supports that this missense variant has a deleterious effect on protein structure/function; Has not been previously published as pathogenic or benign to our knowledge

Ambry Genetics
Classification: Likely benign for Hereditary cancer-predisposing syndrome. Last evaluated: 2022-05-26. Review status: criteria provided, single submitter. Criteria: Ambry Variant Classification Scheme 2023. Collection method: clinical testing. Allele origin: germline.

Baylor Genetics
Classification: Uncertain significance for Osteofibrous dysplasia. Last evaluated: 2019-09-10. Review status: criteria provided, single submitter. Criteria: ACMG Guidelines, 2015. Collection method: clinical testing. Allele origin: unknown. Affected: yes. Study: CSER-TexasKidsCanSeq.
Comment: This variant was determined to be of uncertain significance according to ACMG Guidelines, 2015 [PMID:25741868].

NM_000245.4(MET):c.3842C>G (p.Ala1281Gly)

Gene: MET (MET proto-oncogene, receptor tyrosine kinase; plus strand). Cytogenetic location: 7q31.2.
Variant type: single nucleotide variant.
Coding change: c.3842C>G on transcript NM_000245.4 (MANE Select); coding-DNA position 3842, C replaced by G.
Protein change: p.Ala1281Gly; replaces alanine 1281 with glycine.
Molecular consequence: missense variant.
Genome position (GRCh38, 1-based): chr7:116,795,698, C>G. VCF-style: chr7-116795698-C-G. GRCh37 (hg19) VCF-style: chr7-116435752-C-G.
Other names: c.3896C>G, p.Ala1299Gly (NM_001127500.3); c.2552C>G, p.Ala851Gly (NM_001324402.2); short protein forms A1281G, A1299G, A851G.
Identifiers: ClinVar variation 997610 (VCV000997610.11), dbSNP rs750337451, ClinGen allele CA4448789.